The following is an entry in ClinVar:

NM_080473.5(GATA5):c.616G>C (p.Gly206Arg)

Gene: GATA5 (GATA binding protein 5; minus strand). Cytogenetic location: 20q13.33.
Variant type: single nucleotide variant.
Coding change: c.616G>C on transcript NM_080473.5 (MANE Select); coding-DNA position 616, G replaced by C.
Protein change: p.Gly206Arg; replaces glycine 206 with arginine.
Molecular consequence: missense variant.
Genome position (GRCh38, 1-based): chr20:62,473,486, C>G on the plus strand (G>C on the coding strand, the complement: GATA5 is on the minus strand). VCF-style: chr20-62473486-C-G. GRCh37 (hg19) VCF-style: chr20-61048542-C-G.
Other names: c.616G>C (NM_080473.4); short protein forms G206R.
Identifiers: ClinVar variation 1533335 (VCV001533335.10), dbSNP rs141050743, ClinGen allele CA9946265.

ClinVar aggregate classification (germline): Conflicting classifications of pathogenicity. Review status: criteria provided, conflicting classifications (1 of 4 stars). 3 submissions from 3 submitters: Uncertain significance (2); Likely benign (1). Last evaluated 2026-02-04.

Conditions:
Congenital heart defects, multiple types, 5. Identifiers: MedGen C4693563, MONDO:0060663, OMIM 617912.

Allele frequency attached by ClinVar (database versions not stated): ESP Exome Variant Server 0.00008.

Submissions (3):

Labcorp Genetics (formerly Invitae), Labcorp
Classification: Likely benign. Last evaluated: 2026-02-04. Review status: criteria provided, single submitter. Criteria: Invitae Variant Classification Sherloc (09022015). Collection method: clinical testing. Allele origin: germline.

Clinical Genomics Laboratory, Stanford Medicine
Classification: Uncertain significance for Congenital heart defects, multiple types, 5. Last evaluated: 2023-07-21. Review status: criteria provided, single submitter. Criteria: ACMG Guidelines, 2015. Collection method: clinical testing. Allele origin: germline. Observed: 1 variant allele, 1 heterozygote.
Comment: The p.Gly206Arg variant in the GATA5 gene has not been previously reported in association with disease.This variant has been identified in 10/125,426 European non-Finnish chromosomes (76/275,618 chromosomes overall) by the Genome Aggregation Database. This allele frequency is higher than expected for a pathogenic variant. This variant is present in ClinVar (Variation ID: VCV001533335.8). The glycine at position 206 is evolutionarily conserved. Computational tools predict that the p.Gly206Arg variant is deleterious; however, the accuracy of in silico algorithms is limited. These data were assessed using the ACMG/AMP variant interpretation guidelines. In summary, the significance of the p.Gly206Arg variant is uncertain. Additional information is needed to resolve the significance of this variant. [ACMG evidence codes used: BS1_Supporting; PP3]

Ambry Genetics
Classification: Uncertain significance. Last evaluated: 2022-04-13. Review status: criteria provided, single submitter. Criteria: Ambry Variant Classification Scheme 2023. Collection method: clinical testing. Allele origin: germline.